The following is an entry in ClinVar:

ClinVar aggregate classification (germline): Uncertain significance (1 of 4 stars; one submission).

Conditions:
Hypertrophic cardiomyopathy 19. Also called: Familial hypertrophic cardiomyopathy 19. Identifiers: MedGen CN077603, MONDO:0013476.

gnomAD v4.1: 1 of 1,613,786 alleles (0.000062%); highest among the groups gnomAD compares: Non-Finnish European, 0.000085%; no homozygotes.

Submission:

Labcorp Genetics (formerly Invitae), Labcorp
Classification: Uncertain significance for Hypertrophic cardiomyopathy 19. Last evaluated: 2022-05-12. Review status: criteria provided, single submitter. Criteria: Invitae Variant Classification Sherloc (09022015). Collection method: clinical testing. Allele origin: germline.
Comment: This sequence change replaces aspartic acid, which is acidic and polar, with glycine, which is neutral and non-polar, at codon 314 of the CALR3 protein (p.Asp314Gly). This variant is not present in population databases (gnomAD no frequency). This variant has not been reported in the literature in individuals affected with CALR3-related conditions. Algorithms developed to predict the effect of missense changes on protein structure and function (SIFT, PolyPhen-2, Align-GVGD) all suggest that this variant is likely to be tolerated. In summary, the available evidence is currently insufficient to determine the role of this variant in disease. Therefore, it has been classified as a Variant of Uncertain Significance.

NM_145046.5(CALR3):c.941A>G (p.Asp314Gly)

Gene: CALR3 (calreticulin 3; minus strand). Cytogenetic location: 19p13.11.
Variant type: single nucleotide variant.
Coding change: c.941A>G on transcript NM_145046.5 (MANE Select); coding-DNA position 941, A replaced by G.
Protein change: p.Asp314Gly; replaces aspartic acid 314 with glycine.
Molecular consequence: missense variant.
Genome position (GRCh38, 1-based): chr19:16,480,684, T>C on the plus strand (A>G on the coding strand, the complement: CALR3 is on the minus strand). VCF-style: chr19-16480684-T-C. GRCh37 (hg19) VCF-style: chr19-16591495-T-C.
Other names: short protein forms D314G.
Identifiers: ClinVar variation 2153289 (VCV002153289.4), dbSNP rs1233176565, ClinGen allele CA404606812.